The following is an entry in ClinVar:

ClinVar aggregate classification (germline): Conflicting classifications of pathogenicity. Review status: criteria provided, conflicting classifications (1 of 4 stars). 8 submissions from 8 submitters: Uncertain significance (5); Likely benign (2). 1 of the submissions does not count toward it. Last evaluated 2025-12-03.

Conditions:
Ehlers-Danlos syndrome, classic type, 1 (EDSCL1). Also called: EHLERS-DANLOS SYNDROME, GRAVIS TYPE; EHLERS-DANLOS SYNDROME, SEVERE CLASSIC TYPE; Ehlers-Danlos syndrome, type 1; Ehlers-Danlos Syndrome, Classic Type, COL5A1-Related; EDS I. Identifiers: MedGen C0268335, MONDO:0019567, OMIM 130000.
COL5A2-related disorder. Also called: COL5A2-related condition.
Familial thoracic aortic aneurysm and aortic dissection (TAAD). Also called: Thoracic aortic aneurysms and dissections. Identifiers: Orphanet 91387, MedGen C4707243, MONDO:0019625.
Ehlers-Danlos syndrome, classic type, 2 (EDSCL2). Also called: Ehlers-Danlos syndrome type 2 (formerly); Ehlers-Danlos syndrome, type 2; Ehlers-Danlos Syndrome, Classic Type, COL5A2-Related. Identifiers: Orphanet 287, Orphanet 90318, MedGen C0268336, MONDO:0019568, OMIM 130010.

Allele frequency attached by ClinVar (database versions not stated): gnomAD 0.00001; TOPMed 0.00002; gnomAD exomes 0.00003 and 0.00005; ExAC 0.00004.
gnomAD v4.1: 45 of 1,603,242 alleles (0.0028%); highest among the groups gnomAD compares: Non-Finnish European, 0.0033%; no homozygotes.

Submissions (8):

Labcorp Genetics (formerly Invitae), Labcorp
Classification: Likely benign for Ehlers-Danlos syndrome, classic type, 1. Last evaluated: 2025-12-03. Review status: criteria provided, single submitter. Criteria: Invitae Variant Classification Sherloc (09022015). Collection method: clinical testing. Allele origin: germline.

CeGaT Center for Human Genetics Tuebingen
Classification: Uncertain significance. Last evaluated: 2025-11-01. Review status: criteria provided, single submitter. Criteria: CeGaT Center For Human Genetics Tuebingen Variant Classification Criteria Version 2. Collection method: clinical testing. Allele origin: germline. Affected: yes. Observed: 5 variant alleles.
Comment: COL5A2: PP2, PP3

GeneDx
Classification: Uncertain significance. Last evaluated: 2025-08-25. Review status: criteria provided, single submitter. Criteria: GeneDx Variant Classification Process June 2021. Collection method: clinical testing. Allele origin: germline. Affected: yes.
Comment: Reported in a patient with classic Ehlers-Danlos syndrome who also harbored the p.(P659L) variant in COL5A2 (PMID: 33161638); Not located in the triple helical region, where the majority of pathogenic missense variants occur (PMID: 22696272; HGMD); In silico analysis suggests that this missense variant does not alter protein structure/function; This variant is associated with the following publications: (PMID: 33161638, 22696272)

Ambry Genetics
Classification: Uncertain significance for Familial thoracic aortic aneurysm and aortic dissection. Last evaluated: 2025-01-07. Review status: criteria provided, single submitter. Criteria: Ambry Variant Classification Scheme 2023. Collection method: clinical testing. Allele origin: germline.
Comment: The p.M2T variant (also known as c.5T>C), located in coding exon 1 of the COL5A2 gene, results from a T to C substitution at nucleotide position 5. The methionine at codon 2 is replaced by threonine, an amino acid with similar properties. This amino acid position is highly conserved in available vertebrate species. In addition, this alteration is predicted to be deleterious by in silico analysis. Since supporting evidence is limited at this time, the clinical significance of this alteration remains unclear.

ARUP Laboratories, Molecular Genetics and Genomics, ARUP Laboratories
Classification: Uncertain significance for Ehlers-Danlos syndrome, classic type, 2. Last evaluated: 2024-11-22. Review status: criteria provided, single submitter. Criteria: ARUP Molecular Germline Variant Investigation Process 2024. Collection method: clinical testing. Allele origin: germline.
Comment: The COL5A2 c.5T>C; p.Met2Thr variant (rs762874073; ClinVar ID: 213138) is reported in the literature in an individual with a bleeding disorder (Fager Ferrari 2021), although to our knowledge it has not been reported in association with an aortopathy disorder. This variant is found in the non-Finnish European population with an allele frequency of 0.009% (9/103,342 alleles) in the Genome Aggregation Database (v2.1.1). Computational analyses are uncertain whether this variant is neutral or deleterious (REVEL: 0.601). Due to limited information, the clinical significance of this variant is uncertain at this time. References: Fager Ferrari M et al. Collagen remodelling and plasma ascorbic acid levels in patients suspected of inherited bleeding disorders harbouring germline variants in collagen-related genes. Haemophilia. 2021 Jan;27(1):e69-e77. PMID: 33161638.

Women's Health and Genetics/Laboratory Corporation of America, LabCorp
Classification: Likely benign. Last evaluated: 2024-08-05. Review status: criteria provided, single submitter. Criteria: LabCorp Variant Classification Summary - May 2015. Collection method: clinical testing. Allele origin: germline.
Comment: Variant summary: COL5A2 c.5T>C (p.Met2Thr) results in a non-conservative amino acid change in the encoded protein sequence. Five of five in-silico tools predict a damaging effect of the variant on protein function. The variant allele was found at a frequency of 4.7e-05 in 234428 control chromosomes. The observed variant frequency is approximately 7.51 fold of the estimated maximal expected allele frequency for a pathogenic variant in COL5A2 causing Ehlers-Danlos Syndrome phenotype (6.3e-06). To our knowledge, no occurrence of c.5T>C in individuals affected with Ehlers-Danlos Syndrome and no experimental evidence demonstrating its impact on protein function have been reported. ClinVar contains an entry for this variant (Variation ID: 213138). Based on the evidence outlined above, the variant was classified as likely benign.

Mayo Clinic Laboratories, Mayo Clinic
Classification: Uncertain significance. Last evaluated: 2020-06-11. Review status: criteria provided, single submitter. Criteria: ACMG Guidelines, 2015. Collection method: clinical testing. Allele origin: germline. Observed: 1 variant allele.

PreventionGenetics, part of Exact Sciences
Classification: Uncertain significance for COL5A2-related condition. Last evaluated: 2024-08-12. Review status: no assertion criteria provided. Collection method: clinical testing. Allele origin: germline. Not counted in ClinVar's aggregate classification.
Comment: The COL5A2 c.5T>C variant is predicted to result in the amino acid substitution p.Met2Thr. To our knowledge, this variant was reported as a variant of uncertain significance in a cohort of patients with bleeding disorders (Leinøe et al. 2017. PubMed ID: 28748566). This variant is reported in 0.011% of alleles in individuals of Ashkenazi Jewish descent in gnomAD. Although we suspect that this variant may be benign, at this time, the clinical significance of this variant is uncertain due to the absence of conclusive functional and genetic evidence.

Literature cited by the submitters: PubMed 33161638 (cited by Women's Health and Genetics/Laboratory Corporation of America, LabCorp).

NM_000393.5(COL5A2):c.5T>C (p.Met2Thr)

Gene: COL5A2 (collagen type V alpha 2 chain; minus strand). Cytogenetic location: 2q32.2.
Variant type: single nucleotide variant.
Coding change: c.5T>C on transcript NM_000393.5 (MANE Select); coding-DNA position 5, T replaced by C.
Protein change: p.Met2Thr; replaces methionine 2 with threonine.
Molecular consequence: missense variant.
Genome position (GRCh38, 1-based): chr2:189,179,600, A>G on the plus strand (T>C on the coding strand, the complement: COL5A2 is on the minus strand). VCF-style: chr2-189179600-A-G. GRCh37 (hg19) VCF-style: chr2-190044326-A-G.
Other names: p.M2T:ATG>ACG; short protein forms M2T.
Identifiers: ClinVar variation 213138 (VCV000213138.65), dbSNP rs762874073, ClinGen allele CA324549.
Genomic context (GRCh38, chr2:189,179,600, plus strand): 5'-ACAAATTGCCCTAATAAAACAATAAGAATGAGGAGAGGTCTTGCTTCCGCCCAGTTTGCC[A>G]TCATGTCTAAATATTAGACATGTGGGTTCTCCTGAGAGTGAAAAGTAGATTCTGAGGTTA-3'
Protein context (NP_000384.2, residues 1-12): M[Met2Thr]ANWAEARPLL